The following is an entry in ClinVar:

NM_001846.4(COL4A2):c.3854C>T (p.Ala1285Val)

Gene: COL4A2 (collagen type IV alpha 2 chain; plus strand). Cytogenetic location: 13q34.
Variant type: single nucleotide variant.
Coding change: c.3854C>T on transcript NM_001846.4 (MANE Select); coding-DNA position 3854, C replaced by T.
Protein change: p.Ala1285Val; replaces alanine 1285 with valine.
Molecular consequence: missense variant.
Genome position (GRCh38, 1-based): chr13:110,501,761, C>T. VCF-style: chr13-110501761-C-T. GRCh37 (hg19) VCF-style: chr13-111154108-C-T.
Other names: short protein forms A1285V.
Identifiers: ClinVar variation 4086606 (VCV004086606.1).

ClinVar aggregate classification (germline): Uncertain significance (1 of 4 stars; one submission).

gnomAD v4.1: 10 of 1,613,532 alleles (0.00062%); highest among the groups gnomAD compares: East Asian, 0.0022%; no homozygotes.

Submission:

GeneDx
Classification: Uncertain significance. Last evaluated: 2025-03-17. Review status: criteria provided, single submitter. Criteria: GeneDx Variant Classification Process June 2021. Collection method: clinical testing. Allele origin: germline. Affected: yes.
Comment: In silico analysis indicates that this missense variant does not alter protein structure/function; Has not been previously published as pathogenic or benign to our knowledge